The following is an entry in ClinVar:

ClinVar aggregate classification (germline): Benign. Review status: criteria provided, multiple submitters, no conflicts (2 of 4 stars). 16 submissions from 11 submitters: Benign (14). 2 of the submissions do not count toward it. Last evaluated 2026-02-02.

Conditions:
Charcot-Marie-Tooth disease. Also called: Charcot-Marie-Tooth Hereditary Neuropathy; Charcot-Marie-Tooth Neuropathy. Identifiers: Orphanet 166, MedGen C0007959, MONDO:0015626.
Charcot-Marie-Tooth disease axonal type 2C (HMSN2C). Also called: Charcot-Marie-Tooth Disease Type 2, TRPV4-Related (CMT2C); CHARCOT-MARIE-TOOTH DISEASE, AXONAL, AUTOSOMAL DOMINANT, TYPE 2C; Charcot-Marie-Tooth Neuropathy Type 2C. Identifiers: Orphanet 99937, MedGen C1853710, MONDO:0011633, OMIM 606071.
Metatropic dysplasia (MTD). Also called: Metatropic Dysplasia, TRPV4-Related; Metatropic dysplasia, nonlethal dominant; METATROPIC DWARFISM. Identifiers: Orphanet 2635, MedGen C0265281, MONDO:0007986, OMIM 156530.
Brachyrachia (short spine dysplasia) (BCYM3). Also called: Brachyolmia, TRPV4-Related; Brachyolmia Type 3; BRACHYRACHIA; Autosomal dominant brachyolmia. Identifiers: Orphanet 93304, MedGen C0432227, MONDO:0007232, OMIM 113500.
Scapuloperoneal spinal muscular atrophy (SPSMA). Also called: Scapuloperoneal Spinal Muscular Atrophy, TRPV4-Related; AMYOTROPHY, NEUROGENIC SCAPULOPERONEAL, NEW ENGLAND TYPE; Scapuloperoneal Form of Spinal Muscular Atrophy; Scapuloperoneal spinal muscular atrophy, autosomal dominant. Identifiers: Orphanet 431255, MedGen C0751335, MONDO:0008408, OMIM 181405.
Neuronopathy, distal hereditary motor, autosomal dominant 8. Also called: SPINAL MUSCULAR ATROPHY, CONGENITAL BENIGN, WITH CONTRACTURES; NEURONOPATHY, DISTAL HEREDITARY MOTOR, TYPE VIII; NEUROPATHY, DISTAL HEREDITARY MOTOR, TYPE VIII; Autosomal dominant congenital benign spinal muscular atrophy. Identifiers: Orphanet 1216, MedGen C1838492, MONDO:0010839, OMIM 600175.
Spondylometaphyseal dysplasia, Kozlowski type (SMDK). Also called: Spondylometaphyseal Dysplasia, TRPV4-Related (Kozlowski Type); Dysmorphism arthrogryposis skeletal maturation advanced; Jequier-Kozlowski syndrome; Skeletal dysplasia Jequier-Kozlowski type; SMD Kozlowski type. Identifiers: Orphanet 93314, MedGen C0265280, MONDO:0008477, OMIM 184252.

Allele frequency attached by ClinVar (database versions not stated): gnomAD exomes 0.00211 and 0.00565; gnomAD 0.02388 and 0.02557; ESP Exome Variant Server 0.02587; ExAC 0.01030; TOPMed 0.02609; 1000 Genomes Project 30x 0.02733; 1000 Genomes Project 0.02596.
gnomAD v4.1: 6,831 of 1,602,718 alleles (0.43%); highest among the groups gnomAD compares: African/African-American, 8.1%; 274 homozygotes.

Submissions 1 to 22 of 48:

Labcorp Genetics (formerly Invitae), Labcorp
Classification: Benign for Charcot-Marie-Tooth disease axonal type 2C. Last evaluated: 2026-02-02. Review status: criteria provided, single submitter. Criteria: Invitae Variant Classification Sherloc (09022015). Collection method: clinical testing. Allele origin: germline.

ARUP Laboratories, Molecular Genetics and Genomics, ARUP Laboratories
Classification: Benign. Last evaluated: 2025-02-11. Review status: criteria provided, single submitter. Criteria: ARUP Molecular Germline Variant Investigation Process 2024. Collection method: clinical testing. Allele origin: germline.

Illumina Laboratory Services, Illumina
Classification: Benign for Charcot-Marie-Tooth disease axonal type 2C. Last evaluated: 2018-01-13. Review status: criteria provided, single submitter. Criteria: ICSL Variant Classification Criteria 13 December 2019. Collection method: clinical testing. Allele origin: germline.
Comment: This variant was observed in the ICSL laboratory as part of a predisposition screen in an ostensibly healthy population. It had not been previously curated by ICSL or reported in the Human Gene Mutation Database (HGMD: prior to June 1st, 2018), and was therefore a candidate for classification through an automated scoring system. Utilizing variant allele frequency, disease prevalence and penetrance estimates, and inheritance mode, an automated score was calculated to assess if this variant is too frequent to cause the disease. Based on the score and internal cut-off values, a variant classified as benign is not then subjected to further curation. The score for this variant resulted in a classification of benign for this disease.

Illumina Laboratory Services, Illumina
Classification: Benign for Spondylometaphyseal dysplasia, Kozlowski type. Last evaluated: 2018-01-13. Review status: criteria provided, single submitter. Criteria: ICSL Variant Classification Criteria 13 December 2019. Collection method: clinical testing. Allele origin: germline.
Comment: the same text as in the submission from Illumina Laboratory Services, Illumina above.

Illumina Laboratory Services, Illumina
Classification: Benign for Neuronopathy, distal hereditary motor, autosomal dominant 8. Last evaluated: 2018-01-13. Review status: criteria provided, single submitter. Criteria: ICSL Variant Classification Criteria 13 December 2019. Collection method: clinical testing. Allele origin: germline.
Comment: the same text as in the submission from Illumina Laboratory Services, Illumina above.

Illumina Laboratory Services, Illumina
Classification: Benign for Brachyrachia (short spine dysplasia). Last evaluated: 2018-01-13. Review status: criteria provided, single submitter. Criteria: ICSL Variant Classification Criteria 13 December 2019. Collection method: clinical testing. Allele origin: germline.
Comment: the same text as in the submission from Illumina Laboratory Services, Illumina above.

Illumina Laboratory Services, Illumina
Classification: Benign for Scapuloperoneal spinal muscular atrophy. Last evaluated: 2018-01-13. Review status: criteria provided, single submitter. Criteria: ICSL Variant Classification Criteria 13 December 2019. Collection method: clinical testing. Allele origin: germline.
Comment: the same text as in the submission from Illumina Laboratory Services, Illumina above.

Illumina Laboratory Services, Illumina
Classification: Benign for Metatropic dysplasia. Last evaluated: 2018-01-13. Review status: criteria provided, single submitter. Criteria: ICSL Variant Classification Criteria 13 December 2019. Collection method: clinical testing. Allele origin: germline.
Comment: the same text as in the submission from Illumina Laboratory Services, Illumina above.

Athena Diagnostics
Classification: Benign. Last evaluated: 2017-07-27. Review status: criteria provided, single submitter. Criteria: Athena Diagnostics Criteria. Collection method: clinical testing. Allele origin: germline.

Mayo Clinic Laboratories, Mayo Clinic
Classification: Benign. Last evaluated: 2016-05-31. Review status: criteria provided, single submitter. Criteria: ACMG Guidelines, 2015. Collection method: clinical testing. Allele origin: germline. Observed: 14 variant alleles.

GeneDx
Classification: Benign. Last evaluated: 2015-03-03. Review status: criteria provided, single submitter. Criteria: GeneDx Variant Classification Process June 2021. Collection method: clinical testing. Allele origin: germline. Affected: yes.

Breakthrough Genomics
Classification: Benign. Review status: criteria provided, single submitter. Criteria: ACMG Guidelines, 2015. Collection method: not provided. Allele origin: germline. Inheritance: Autosomal dominant inheritance. Affected: yes.

Molecular Genetics Laboratory, London Health Sciences Centre
Classification: Benign for Charcot-Marie-Tooth disease. Review status: criteria provided, single submitter. Criteria: ACMG Guidelines, 2015. Collection method: clinical testing. Allele origin: germline. Affected: yes.

PreventionGenetics, part of Exact Sciences
Classification: Benign. Review status: criteria provided, single submitter. Criteria: ACMG Guidelines, 2015. Collection method: clinical testing. Allele origin: germline.

Clinical Genetics, Academic Medical Center
Classification: Benign. Review status: no assertion criteria provided. Collection method: clinical testing. Allele origin: germline. Affected: yes. Study: VKGL Data-share Consensus. Not counted in ClinVar's aggregate classification.

Dr. Peter K. Rogan Lab, Western University
No classification provided (evidence only). Condition: Clear cell carcinoma of kidney. Review status: no classification provided. Collection method: in vitro. Allele origin: not applicable. Functional consequence: retained intron. Not counted in ClinVar's aggregate classification.

Dr. Peter K. Rogan Lab, Western University
No classification provided (evidence only). Condition: Clear cell carcinoma of kidney. Review status: no classification provided. Collection method: in vitro. Allele origin: not applicable. Functional consequence: retained intron. Not counted in ClinVar's aggregate classification.

Dr. Peter K. Rogan Lab, Western University
No classification provided (evidence only). Condition: Clear cell carcinoma of kidney. Review status: no classification provided. Collection method: in vitro. Allele origin: not applicable. Functional consequence: retained intron. Not counted in ClinVar's aggregate classification.

Dr. Peter K. Rogan Lab, Western University
No classification provided (evidence only). Condition: Clear cell carcinoma of kidney. Review status: no classification provided. Collection method: in vitro. Allele origin: not applicable. Functional consequence: retained intron. Not counted in ClinVar's aggregate classification.

Dr. Peter K. Rogan Lab, Western University
No classification provided (evidence only). Condition: Clear cell carcinoma of kidney. Review status: no classification provided. Collection method: in vitro. Allele origin: not applicable. Functional consequence: retained intron. Not counted in ClinVar's aggregate classification.

Dr. Peter K. Rogan Lab, Western University
No classification provided (evidence only). Condition: Clear cell carcinoma of kidney. Review status: no classification provided. Collection method: in vitro. Allele origin: not applicable. Functional consequence: retained intron. Not counted in ClinVar's aggregate classification.

Dr. Peter K. Rogan Lab, Western University
No classification provided (evidence only). Condition: Clear cell carcinoma of kidney. Review status: no classification provided. Collection method: in vitro. Allele origin: not applicable. Functional consequence: retained intron. Not counted in ClinVar's aggregate classification.

NM_021625.5(TRPV4):c.81T>C (p.Gly27=)

Gene: TRPV4 (transient receptor potential cation channel subfamily V member 4; minus strand). Cytogenetic location: 12q24.11.
Variant type: single nucleotide variant.
Coding change: c.81T>C on transcript NM_021625.5 (MANE Select); coding-DNA position 81, T replaced by C.
Protein change: p.Gly27=; no amino-acid change (glycine 27 retained).
Molecular consequence: synonymous variant. On other transcripts: splice donor variant (1).
Genome position (GRCh38, 1-based): chr12:109,814,716, A>G on the plus strand (T>C on the coding strand, the complement: TRPV4 is on the minus strand). VCF-style: chr12-109814716-A-G. GRCh37 (hg19) VCF-style: chr12-110252521-A-G.
Other names: p.Gly27=; c.81T>C, p.Gly27= (NM_001177428.2, NM_001177433.2, NM_147204.3); c.79+2T>C (NM_001177431.1).
Identifiers: ClinVar variation 241389 (VCV000241389.35), dbSNP rs34599967, ClinGen allele CA6780623.
Genomic context (GRCh38, chr12:109,814,716, plus strand): 5'-AAGGGAGCCATCCTCCCCCTCAAACAGATTGGCCAGGGAGGAGAGAGGAAAAGCCTCCCC[A>G]CCTGGGGTGCCACTCTCATCCCCGGGGAGCTCAGCCACCTCCCCGGGCCCCGCGCGGGGG-3'
Protein context (NP_067638.3, residues 17-37): ELPGDESGTP[Gly27=]GEAFPLSSLA